The following is an entry in ClinVar:

ClinVar aggregate classification (germline): Uncertain significance. Review status: criteria provided, multiple submitters, no conflicts (2 of 4 stars). 5 submissions from 5 submitters: Uncertain significance (4). 1 of the submissions does not count toward it. Last evaluated 2024-08-30.

Conditions:
Hereditary cancer-predisposing syndrome. Also called: Hereditary Cancer Syndrome; Tumor predisposition; Neoplastic Syndromes, Hereditary; Hereditary neoplastic syndrome. Identifiers: Orphanet 140162, MedGen C0027672, MeSH D009386, MONDO:0015356.
Microcephaly, normal intelligence and immunodeficiency (NBS). Also called: BERLIN BREAKAGE SYNDROME; Nijmegen breakage syndrome; Microcephaly with normal intelligence immunodeficiency and lymphoreticular malignancies; Nonsyndromal microcephaly autosomal recessive with normal intelligence; Seemanova syndrome 2; SEEMANOVA SYNDROME II. Identifiers: Orphanet 647, MedGen C0398791, MONDO:0009623, OMIM 251260.

Allele frequency attached by ClinVar (database versions not stated): gnomAD exomes below 0.00001; ExAC 0.00001.
gnomAD v4.1: 1 of 1,613,886 alleles (0.000062%); highest among the groups gnomAD compares: Admixed American, 0.0017%; no homozygotes.

Submissions (5):

Ambry Genetics
Classification: Uncertain significance for Hereditary cancer-predisposing syndrome. Last evaluated: 2024-08-30. Review status: criteria provided, single submitter. Criteria: Ambry Variant Classification Scheme 2023. Collection method: clinical testing. Allele origin: germline.
Comment: The p.N548D variant (also known as c.1642A>G), located in coding exon 11 of the NBN gene, results from an A to G substitution at nucleotide position 1642. The asparagine at codon 548 is replaced by aspartic acid, an amino acid with highly similar properties. This amino acid position is poorly conserved in available vertebrate species. In addition, this alteration is predicted to be tolerated by in silico analysis. Since supporting evidence is limited at this time, the clinical significance of this alteration remains unclear.

Genome-Nilou Lab
Classification: Uncertain significance for Microcephaly, normal intelligence and immunodeficiency. Last evaluated: 2021-11-07. Review status: criteria provided, single submitter. Criteria: ACMG Guidelines, 2015. Collection method: clinical testing. Allele origin: germline. Affected: no.

Labcorp Genetics (formerly Invitae), Labcorp
Classification: Uncertain significance for Microcephaly, normal intelligence and immunodeficiency. Last evaluated: 2021-09-01. Review status: criteria provided, single submitter. Criteria: Invitae Variant Classification Sherloc (09022015). Collection method: clinical testing. Allele origin: germline.
Comment: This sequence change replaces asparagine with aspartic acid at codon 548 of the NBN protein (p.Asn548Asp). The asparagine residue is weakly conserved and there is a small physicochemical difference between asparagine and aspartic acid. This variant is present in population databases (rs772234785, ExAC 0.009%). This variant has not been reported in the literature in individuals affected with NBN-related conditions. Algorithms developed to predict the effect of missense changes on protein structure and function (SIFT, PolyPhen-2, Align-GVGD) all suggest that this variant is likely to be tolerated. In summary, the available evidence is currently insufficient to determine the role of this variant in disease. Therefore, it has been classified as a Variant of Uncertain Significance.

Sema4
Classification: Uncertain significance for Hereditary cancer-predisposing syndrome. Last evaluated: 2021-06-10. Review status: criteria provided, single submitter. Criteria: Sema4 Curation Guidelines. Collection method: curation. Allele origin: germline.
Comment: The NBN c.1642A>G (p.N548D) variant has not been reported in the literature to our knowledge. It was observed in 1/34584 chromosomes of the Latino subpopulation in the large and broad cohorts of the Genome Aggregation Database (PMID: 32461654). The variant has been reported in ClinVar (Variation ID: 647298). In silico tools suggest the impact of the variant on protein function is benign, though these predictions have not been confirmed by functional studies. The evidence is insufficient to meet ACMG/AMP criteria for classifying the variant as benign or pathogenic. Thus, the clinical significance of this variant is currently uncertain.

Natera, Inc.
Classification: Uncertain significance for Nijmegen breakage syndrome. Last evaluated: 2021-08-16. Review status: no assertion criteria provided. Collection method: clinical testing. Allele origin: germline. Not counted in ClinVar's aggregate classification.

NM_002485.5(NBN):c.1642A>G (p.Asn548Asp)

Gene: NBN (nibrin; minus strand). Cytogenetic location: 8q21.3.
Variant type: single nucleotide variant.
Coding change: c.1642A>G on transcript NM_002485.5 (MANE Select); coding-DNA position 1642, A replaced by G.
Protein change: p.Asn548Asp; replaces asparagine 548 with aspartic acid.
Molecular consequence: missense variant.
Genome position (GRCh38, 1-based): chr8:89,953,447, T>C on the plus strand (A>G on the coding strand, the complement: NBN is on the minus strand). VCF-style: chr8-89953447-T-C. GRCh37 (hg19) VCF-style: chr8-90965675-T-C.
Other names: c.1396A>G, p.Asn466Asp (NM_001024688.3); short protein forms N466D, N548D.
Identifiers: ClinVar variation 647298 (VCV000647298.21), dbSNP rs772234785, ClinGen allele CA4802696.